The following is an entry in ClinVar:

NM_015512.5(DNAH1):c.112C>A (p.Pro38Thr)

Gene: DNAH1 (dynein axonemal heavy chain 1; plus strand). Cytogenetic location: 3p21.1.
Variant type: single nucleotide variant.
Coding change: c.112C>A on transcript NM_015512.5 (MANE Select); coding-DNA position 112, C replaced by A.
Protein change: p.Pro38Thr; replaces proline 38 with threonine.
Molecular consequence: missense variant.
Genome position (GRCh38, 1-based): chr3:52,322,554, C>A. VCF-style: chr3-52322554-C-A. GRCh37 (hg19) VCF-style: chr3-52356570-C-A.
Other names: short protein forms P38T.
Identifiers: ClinVar variation 1349202 (VCV001349202.5), dbSNP rs759317020, ClinGen allele CA2432559.
Genomic context (GRCh38, chr3:52,322,554, plus strand): 5'-CCAGAGTGCAGCAGTGCTCCTGCAGTCCAAGTGGGGACCCACAGGGGCCTAGAGTATAAC[C>A]CGGGGAAGATTCTTCCAGGATCAGACTATGGGTTGGGAAATCCTCCAGCCCTTGACCCCA-3'
Protein context (NP_056327.4, residues 28-48): VGTHRGLEYN[Pro38Thr]GKILPGSDYG

ClinVar aggregate classification (germline): Uncertain significance (1 of 4 stars; one submission).

Conditions:
Spermatogenic failure 18. Identifiers: MedGen C4539783, MONDO:0054615, OMIM 617576.
Ciliary dyskinesia, primary, 37 (CILD37). Also called: CILIARY DYSKINESIA, PRIMARY, 37, WITH OR WITHOUT SITUS INVERSUS. Identifiers: MedGen C4539798, MONDO:0033204, OMIM 617577.

Allele frequency attached by ClinVar (database versions not stated): TOPMed 0.00001; gnomAD 0.00002.
gnomAD v4.1: 34 of 1,613,778 alleles (0.0021%); highest among the groups gnomAD compares: Admixed American, 0.057%; no homozygotes.

Submission:

Labcorp Genetics (formerly Invitae), Labcorp
Classification: Uncertain significance for Ciliary dyskinesia, primary, 37; Spermatogenic failure 18. Last evaluated: 2022-07-12. Review status: criteria provided, single submitter. Criteria: Invitae Variant Classification Sherloc (09022015). Collection method: clinical testing. Allele origin: germline.
Comment: This sequence change replaces proline, which is neutral and non-polar, with threonine, which is neutral and polar, at codon 38 of the DNAH1 protein (p.Pro38Thr). This variant is present in population databases (rs759317020, gnomAD 0.09%). This variant has not been reported in the literature in individuals affected with DNAH1-related conditions. ClinVar contains an entry for this variant (Variation ID: 1349202). Algorithms developed to predict the effect of missense changes on protein structure and function (SIFT, PolyPhen-2, Align-GVGD) all suggest that this variant is likely to be tolerated. In summary, the available evidence is currently insufficient to determine the role of this variant in disease. Therefore, it has been classified as a Variant of Uncertain Significance.